The following is an entry in ClinVar:

NM_016204.4(GDF2):c.1082T>G (p.Phe361Cys)

Gene: GDF2 (growth differentiation factor 2; plus strand). Cytogenetic location: 10q11.22.
Variant type: single nucleotide variant.
Coding change: c.1082T>G on transcript NM_016204.4 (MANE Select); coding-DNA position 1082, T replaced by G.
Protein change: p.Phe361Cys; replaces phenylalanine 361 with cysteine.
Molecular consequence: missense variant.
Genome position (GRCh38, 1-based): chr10:47,325,576, T>G. VCF-style: chr10-47325576-T-G. GRCh37 (hg19) VCF-style: chr10-48413786-A-C.
Other names: short protein forms F361C.
Identifiers: ClinVar variation 3717442 (VCV003717442.2).

ClinVar aggregate classification (germline): Uncertain significance (1 of 4 stars; one submission).

Conditions:
Telangiectasia, hereditary hemorrhagic, type 5 (HHT5). Identifiers: Orphanet 774, MedGen C3809710, MONDO:0014217, OMIM 615506.

Submission:

Labcorp Genetics (formerly Invitae), Labcorp
Classification: Uncertain significance for Telangiectasia, hereditary hemorrhagic, type 5. Last evaluated: 2024-05-01. Review status: criteria provided, single submitter. Criteria: Invitae Variant Classification Sherloc (09022015). Collection method: clinical testing. Allele origin: germline.
Comment: This sequence change replaces phenylalanine, which is neutral and non-polar, with cysteine, which is neutral and slightly polar, at codon 361 of the GDF2 protein (p.Phe361Cys). This variant is not present in population databases (gnomAD no frequency). This variant has not been reported in the literature in individuals affected with GDF2-related conditions. An algorithm developed to predict the effect of missense changes on protein structure and function (PolyPhen-2) suggests that this variant is likely to be tolerated. In summary, the available evidence is currently insufficient to determine the role of this variant in disease. Therefore, it has been classified as a Variant of Uncertain Significance.